The following is an entry in ClinVar:

ClinVar aggregate classification (germline): Uncertain significance. Review status: criteria provided, multiple submitters, no conflicts (2 of 4 stars). 4 submissions from 4 submitters: Uncertain significance (4). Last evaluated 2025-08-02.

Conditions:
3-methylcrotonyl-CoA carboxylase 2 deficiency. Also called: METHYLCROTONYLGLYCINURIA, TYPE II; 3 alpha methylcrotonyl-CoA carboxylase 2 deficiency; 3 alpha methylcrotonylglycinuria 2; MCC 2 deficiency; Methylcrotonylglycinuria type 2. Identifiers: Orphanet 6, MedGen C1859499, MONDO:0008862, OMIM 210210.
Inborn genetic diseases. Identifiers: MedGen C0950123, MeSH D030342.

Allele frequency attached by ClinVar (database versions not stated): gnomAD exomes 0.00009 and 0.00019; TOPMed 0.00009; gnomAD 0.00010 and 0.00011; ESP Exome Variant Server 0.00019; ExAC 0.00026.
gnomAD v4.1: 281 of 1,536,956 alleles (0.018%); highest among the groups gnomAD compares: Non-Finnish European, 0.023%; no homozygotes.

Submissions (4):

Ambry Genetics
Classification: Uncertain significance for Inborn genetic diseases. Last evaluated: 2025-08-02. Review status: criteria provided, single submitter. Criteria: Ambry Variant Classification Scheme 2023. Collection method: clinical testing. Allele origin: germline.

Labcorp Genetics (formerly Invitae), Labcorp
Classification: Uncertain significance for 3-methylcrotonyl-CoA carboxylase 2 deficiency. Last evaluated: 2021-08-24. Review status: criteria provided, single submitter. Criteria: Invitae Variant Classification Sherloc (09022015). Collection method: clinical testing. Allele origin: germline.
Comment: This sequence change replaces proline with serine at codon 20 of the MCCC2 protein (p.Pro20Ser). The proline residue is weakly conserved and there is a moderate physicochemical difference between proline and serine. While this variant is present in population databases (rs371336335), the frequency information is unreliable, as metrics indicate poor data quality at this position in the ExAC database. This variant has not been reported in the literature in individuals affected with MCCC2-related conditions. Algorithms developed to predict the effect of missense changes on protein structure and function output the following: SIFT: "Tolerated"; PolyPhen-2: "Benign"; Align-GVGD: "Class C0". The serine amino acid residue is found in multiple mammalian species, which suggests that this missense change does not adversely affect protein function. In summary, the available evidence is currently insufficient to determine the role of this variant in disease. Therefore, it has been classified as a Variant of Uncertain Significance.

Illumina Laboratory Services, Illumina
Classification: Uncertain significance for 3-methylcrotonyl-CoA carboxylase 2 deficiency. Last evaluated: 2017-04-27. Review status: criteria provided, single submitter. Criteria: ICSL Variant Classification Criteria 13 December 2019. Collection method: clinical testing. Allele origin: germline.

Breakthrough Genomics
Classification: Uncertain significance. Review status: criteria provided, single submitter. Criteria: ACMG Guidelines, 2015. Collection method: not provided. Allele origin: germline. Inheritance: Autosomal recessive inheritance. Affected: yes.

NM_022132.5(MCCC2):c.58C>T (p.Pro20Ser)

Gene: MCCC2 (methylcrotonyl-CoA carboxylase subunit 2; plus strand). Cytogenetic location: 5q13.2.
Variant type: single nucleotide variant.
Coding change: c.58C>T on transcript NM_022132.5 (MANE Select); coding-DNA position 58, C replaced by T.
Protein change: p.Pro20Ser; replaces proline 20 with serine.
Molecular consequence: missense variant.
Genome position (GRCh38, 1-based): chr5:71,587,483, C>T. VCF-style: chr5-71587483-C-T. GRCh37 (hg19) VCF-style: chr5-70883310-C-T.
Other names: c.58C>T, p.Pro20Ser (NM_001363147.1); short protein forms P20S.
Identifiers: ClinVar variation 905569 (VCV000905569.9), dbSNP rs371336335, ClinGen allele CA3297656.